The following is an entry in ClinVar:

ClinVar aggregate classification (germline): Benign. Review status: criteria provided, multiple submitters, no conflicts (2 of 4 stars). 3 submissions from 2 submitters: Benign (3). Last evaluated 2018-01-12.

Conditions:
Hypertrophic osteoarthropathy, primary, autosomal recessive, 1 (PHOAR1). Also called: PHO, AUTOSOMAL RECESSIVE. Identifiers: Orphanet 1525, Orphanet 2796, MedGen C4551679, MONDO:0024546, OMIM 259100.
Isolated congenital digital clubbing. Also called: ACROPACHY, HEREDITARY; CLUBBING OF DIGITS. Identifiers: Orphanet 217059, MedGen C0345408, MONDO:0007343, OMIM 119900.

Allele frequency attached by ClinVar (database versions not stated): gnomAD exomes 0.00579; gnomAD 0.08158 and 0.08704; TOPMed 0.09258; 1000 Genomes Project 0.09465; 1000 Genomes Project 30x 0.10041.
gnomAD v4.1: 12,400 of 173,272 alleles (7.2%); highest among the groups gnomAD compares: African/African-American, 28%; 1,652 homozygotes.

Submissions (3):

Illumina Laboratory Services, Illumina
Classification: Benign for Hypertrophic osteoarthropathy, primary, autosomal recessive, 1. Last evaluated: 2018-01-12. Review status: criteria provided, single submitter. Criteria: ICSL Variant Classification Criteria 13 December 2019. Collection method: clinical testing. Allele origin: germline.
Comment: This variant was observed in the ICSL laboratory as part of a predisposition screen in an ostensibly healthy population. It had not been previously curated by ICSL or reported in the Human Gene Mutation Database (HGMD: prior to June 1st, 2018), and was therefore a candidate for classification through an automated scoring system. Utilizing variant allele frequency, disease prevalence and penetrance estimates, and inheritance mode, an automated score was calculated to assess if this variant is too frequent to cause the disease. Based on the score and internal cut-off values, a variant classified as benign is not then subjected to further curation. The score for this variant resulted in a classification of benign for this disease.

Illumina Laboratory Services, Illumina
Classification: Benign for Isolated congenital digital clubbing. Last evaluated: 2018-01-12. Review status: criteria provided, single submitter. Criteria: ICSL Variant Classification Criteria 13 December 2019. Collection method: clinical testing. Allele origin: germline.
Comment: the same text as in the submission from Illumina Laboratory Services, Illumina above.

Breakthrough Genomics
Classification: Benign. Review status: criteria provided, single submitter. Criteria: ACMG Guidelines, 2015. Collection method: not provided. Allele origin: germline. Inheritance: Autosomal recessive inheritance. Affected: yes.

NM_000860.6(HPGD):c.*418G>T

Gene: HPGD (15-hydroxyprostaglandin dehydrogenase; minus strand). Cytogenetic location: 4q34.1.
Variant type: single nucleotide variant.
Coding change: c.*418G>T on transcript NM_000860.6 (MANE Select); 418 bases downstream of the stop codon, G replaced by T.
Molecular consequence: 3 prime UTR variant.
Genome position (GRCh38, 1-based): chr4:174,491,538, C>A on the plus strand (G>T on the coding strand, the complement: HPGD is on the minus strand). VCF-style: chr4-174491538-C-A. GRCh37 (hg19) VCF-style: chr4-175412689-C-A.
Other names: c.*518G>T (NM_001145816.3); c.*418G>T (NM_001256301.1, NM_001256306.2, NM_001256307.2); c.*546G>T (NM_001256305.2).
Identifiers: ClinVar variation 348191 (VCV000348191.6), dbSNP rs2253270, ClinGen allele CA10620480.